The following is an entry in ClinVar:

NM_002303.6(LEPR):c.1905T>C (p.Asp635=)

Gene: LEPR (leptin receptor; plus strand). Cytogenetic location: 1p31.3.
Variant type: single nucleotide variant.
Coding change: c.1905T>C on transcript NM_002303.6 (MANE Select); coding-DNA position 1905, T replaced by C.
Protein change: p.Asp635=; no amino-acid change (aspartic acid 635 retained).
Molecular consequence: synonymous variant.
Genome position (GRCh38, 1-based): chr1:65,610,099, T>C. VCF-style: chr1-65610099-T-C. GRCh37 (hg19) VCF-style: chr1-66075782-T-C.
Other names: c.1905T>C, p.Asp635= (NM_001003679.3, NM_001003680.3, NM_001198687.2 and 2 more transcripts).
Identifiers: ClinVar variation 5001847 (VCV005001847.1).
Genomic context (GRCh38, chr1:65,610,099, plus strand): 5'-GCTAGATGGACTGGGATATTGGAGTAATTGGAGCAATCCAGCCTACACAGTTGTCATGGA[T>C]ATAAAAGGTCTGCAGAGATTTTGTAAATGTGTTTTGAAAGTGCATAAGTGTGTGCTTCAA-3'
Protein context (NP_002294.2, residues 625-645): WSNPAYTVVM[Asp635=]IKVPMRGPEF

ClinVar aggregate classification (germline): Likely benign (1 of 4 stars; one submission).

Conditions:
LEPR-related disorder. Also called: LEPR-related disorders; LEPR-related condition.

gnomAD v4.1: 11 of 1,614,194 alleles (0.00068%); highest among the groups gnomAD compares: African/African-American, 0.0027%; no homozygotes.

Submission:

PreventionGenetics, part of Exact Sciences
Classification: Likely benign for LEPR-related condition. Last evaluated: 2025-01-08. Review status: criteria provided, single submitter. Criteria: ACMG Guidelines, 2015. Collection method: clinical testing. Allele origin: germline.
Comment: This variant is classified as likely benign based on ACMG/AMP sequence variant interpretation guidelines (Richards et al. 2015 PMID: 25741868, with internal and published modifications).